The following is an entry in ClinVar:

ClinVar aggregate classification (germline): Uncertain significance. Review status: criteria provided, multiple submitters, no conflicts (2 of 4 stars). 3 submissions from 3 submitters: Uncertain significance (3). Last evaluated 2025-02-19.

Conditions:
Hereditary nonpolyposis colorectal neoplasms. Identifiers: MedGen C0009405, MeSH D003123.
Hereditary cancer-predisposing syndrome. Also called: Tumor predisposition; Hereditary Cancer Syndrome; Hereditary neoplastic syndrome; Neoplastic Syndromes, Hereditary. Identifiers: Orphanet 140162, MedGen C0027672, MeSH D009386, MONDO:0015356.

Allele frequency attached by ClinVar (database versions not stated): TOPMed below 0.00001.

Submissions (3):

Labcorp Genetics (formerly Invitae), Labcorp
Classification: Uncertain significance for Hereditary nonpolyposis colorectal neoplasms. Last evaluated: 2025-02-19. Review status: criteria provided, single submitter. Criteria: Invitae Variant Classification Sherloc (09022015). Collection method: clinical testing. Allele origin: germline.
Comment: This sequence change replaces isoleucine, which is neutral and non-polar, with valine, which is neutral and non-polar, at codon 325 of the PMS2 protein (p.Ile325Val). This variant is not present in population databases (gnomAD no frequency). This variant has not been reported in the literature in individuals affected with PMS2-related conditions. ClinVar contains an entry for this variant (Variation ID: 2091274). Invitae Evidence Modeling incorporating data from in vitro experimental studies (internal data) indicates that this missense variant is not expected to disrupt PMS2 function with a negative predictive value of 95%. In summary, the available evidence is currently insufficient to determine the role of this variant in disease. Therefore, it has been classified as a Variant of Uncertain Significance.

Ambry Genetics
Classification: Uncertain significance for Hereditary cancer-predisposing syndrome. Last evaluated: 2024-05-31. Review status: criteria provided, single submitter. Criteria: Ambry Variant Classification Scheme 2023. Collection method: clinical testing. Allele origin: germline.
Comment: The p.I325V variant (also known as c.973A>G), located in coding exon 9 of the PMS2 gene, results from an A to G substitution at nucleotide position 973. The isoleucine at codon 325 is replaced by valine, an amino acid with highly similar properties. This amino acid position is conserved. In addition, this alteration is predicted to be tolerated by in silico analysis. Based on the available evidence, the clinical significance of this variant remains unclear.

Color Diagnostics, LLC DBA Color Health
Classification: Uncertain significance for Hereditary cancer-predisposing syndrome. Last evaluated: 2024-03-06. Review status: criteria provided, single submitter. Criteria: ACMG Guidelines, 2015. Collection method: clinical testing. Allele origin: germline.
Comment: This missense variant replaces isoleucine with valine at codon 325 of the PMS2 protein. Computational prediction suggests that this variant may not impact protein structure and function (internally defined REVEL score threshold <= 0.5, PMID: 27666373). To our knowledge, functional studies have not been reported for this variant. This variant has not been reported in individuals affected with hereditary cancer in the literature. This variant has not been identified in the general population by the Genome Aggregation Database (gnomAD). The available evidence is insufficient to determine the role of this variant in disease conclusively. Therefore, this variant is classified as a Variant of Uncertain Significance.

NM_000535.7(PMS2):c.973A>G (p.Ile325Val)

Gene: PMS2 (PMS1 homolog 2, mismatch repair system component; minus strand). Cytogenetic location: 7p22.1.
Variant type: single nucleotide variant.
Coding change: c.973A>G on transcript NM_000535.7 (MANE Select); coding-DNA position 973, A replaced by G.
Protein change: p.Ile325Val; replaces isoleucine 325 with valine.
Molecular consequence: missense variant. On other transcripts: non-coding transcript variant (1).
Genome position (GRCh38, 1-based): chr7:5,991,988, T>C on the plus strand (A>G on the coding strand, the complement: PMS2 is on the minus strand). VCF-style: chr7-5991988-T-C. GRCh37 (hg19) VCF-style: chr7-6031619-T-C.
Other names: c.568A>G, p.Ile190Val (NM_001018040.1, NM_001322003.2, NM_001322004.2 and 20 more transcripts); c.973A>G, p.Ile325Val (NM_001322006.2, NM_001322014.2, NM_001406870.1 and 2 more transcripts); c.655A>G, p.Ile219Val (NM_001322007.2, NM_001322008.2, NM_001406876.1 and 4 more transcripts); c.40A>G, p.Ile14Val (NM_001322011.2, NM_001322012.2); c.400A>G, p.Ile134Val (NM_001322013.2, NM_001406909.1); c.664A>G, p.Ile222Val (NM_001322015.2, NM_001406875.1, NM_001406877.1 and 6 more transcripts); c.1159A>G, p.Ile387Val (NM_001406866.1); c.997A>G, p.Ile333Val (NM_001406868.1); and 7 more; short protein forms I134V, I190V, I219V, I259V, I387V, I154V, I289V, I68V.
Identifiers: ClinVar variation 2091274 (VCV002091274.7), dbSNP rs1783790829, ClinGen allele CA366743087.
Genomic context (GRCh38, chr7:5,991,988, plus strand): 5'-TGAGGCATTAGTCACTAGTTGTACTGAAATGCCAATGGAACTTACCTGAATCAACAGAAA[T>C]GTTAAGAACAACAAATGGATACTGGTGTCGATTATACATGTGGTAGACCTCATTCACGAG-3'
Protein context (NP_000526.2, residues 315-335): RHQYPFVVLN[Ile325Val]SVDSECVDIN